The following is an entry in ClinVar:

NM_006618.5(KDM5B):c.576+289A>G

Gene: KDM5B (lysine demethylase 5B; minus strand). Cytogenetic location: 1q32.1.
Variant type: single nucleotide variant.
Coding change: c.576+289A>G on transcript NM_006618.5 (MANE Select); 289 bases into the intron after coding-DNA position 576, A replaced by G.
Molecular consequence: intron variant.
Genome position (GRCh38, 1-based): chr1:202,772,829, T>C on the plus strand (A>G on the coding strand, the complement: KDM5B is on the minus strand). VCF-style: chr1-202772829-T-C. GRCh37 (hg19) VCF-style: chr1-202741957-T-C.
Other names: c.561+289A>G (NM_001399817.1); c.576+289A>G (NM_001347591.2, NM_001314042.2).
Identifiers: ClinVar variation 4534962 (VCV004534962.6).

ClinVar aggregate classification (germline): Likely benign (1 of 4 stars; one submission).

Submission:

CeGaT Center for Human Genetics Tuebingen
Classification: Likely benign. Last evaluated: 2025-11-01. Review status: criteria provided, single submitter. Criteria: CeGaT Center For Human Genetics Tuebingen Variant Classification Criteria Version 2. Collection method: clinical testing. Allele origin: germline. Affected: yes. Observed: 1 variant allele.
Comment: KDM5B: PM2:Supporting, BP4, BP7